The following is an entry in ClinVar:

NM_004959.5(NR5A1):c.15C>A (p.Tyr5Ter)

Gene: NR5A1 (nuclear receptor subfamily 5 group A member 1; minus strand). Cytogenetic location: 9q33.3.
Variant type: single nucleotide variant.
Coding change: c.15C>A on transcript NM_004959.5 (MANE Select); coding-DNA position 15, C replaced by A.
Protein change: p.Tyr5Ter; replaces tyrosine 5 with a stop codon.
Molecular consequence: nonsense.
Genome position (GRCh38, 1-based): chr9:124,503,381, G>T on the plus strand (C>A on the coding strand, the complement: NR5A1 is on the minus strand). VCF-style: chr9-124503381-G-T. GRCh37 (hg19) VCF-style: chr9-127265660-G-T.
Other names: short protein forms Y5*.
Identifiers: ClinVar variation 2572556 (VCV002572556.2), dbSNP rs779406677, ClinGen allele CA374890833.

ClinVar aggregate classification (germline): Pathogenic (1 of 4 stars; one submission).

Conditions:
46,XY sex reversal 3. Also called: 46,XY GONADAL DYSGENESIS, PARTIAL OR COMPLETE, WITH OR WITHOUT ADRENAL FAILURE; DISORDER OF SEX DEVELOPMENT, 46,XY, NR5A1-RELATED; SEX REVERSAL, XY, WITH OR WITHOUT ADRENAL FAILURE; 46,XY SEX REVERSAL, PARTIAL OR COMPLETE, NR5A1-RELATED; NR5A1-related 46,XY complete gonadal dysgenesis. Identifiers: MedGen C3489793, MONDO:0013066, OMIM 612965.

Submission:

3billion
Classification: Pathogenic for 46,XY sex reversal 3. Last evaluated: 2024-10-31. Review status: criteria provided, single submitter. Criteria: ACMG Guidelines, 2015. Collection method: clinical testing. Allele origin: germline. Affected: yes.
Comment: The variant is not observed in the gnomAD v4.1.0 dataset. Predicted Consequence/Location: Stop-gained (nonsense): predicted to result in a loss or disruption of normal protein function through nonsense-mediated decay (NMD) or protein truncation. Multiple pathogenic variants are reported downstream of the variant. The variant has been reported to be associated with NR5A1-related disorder (ClinVar ID: VCV002572556 / 3billion dataset). Therefore, this variant is classified as Pathogenic according to the recommendation of ACMG/AMP guideline.